The following is an entry in ClinVar:

NM_006922.4(SCN3A):c.4618A>T (p.Met1540Leu)

Gene: SCN3A (sodium voltage-gated channel alpha subunit 3; minus strand). Cytogenetic location: 2q24.3.
Variant type: single nucleotide variant.
Coding change: c.4618A>T on transcript NM_006922.4 (MANE Select); coding-DNA position 4618, A replaced by T.
Protein change: p.Met1540Leu; replaces methionine 1540 with leucine.
Molecular consequence: missense variant.
Genome position (GRCh38, 1-based): chr2:165,092,443, T>A on the plus strand (A>T on the coding strand, the complement: SCN3A is on the minus strand). VCF-style: chr2-165092443-T-A. GRCh37 (hg19) VCF-style: chr2-165948953-T-A.
Other names: c.4471A>T, p.Met1491Leu (NM_001081676.2, NM_001081677.2); short protein forms M1491L, M1540L.
Identifiers: ClinVar variation 3572625 (VCV003572625.1).
Genomic context (GRCh38, chr2:165,092,443, plus strand): 5'-GGGACAAAACTAGGGTCATGTATTTGCCCTGGTCATCCGTTTCCACCATCATGGTGACCA[T>A]GTTGAGGCAGATGAGGATCATGATGCTGATATCAAAGACTTGTCTGGTTACAAAATCAAA-3'
Protein context (NP_008853.3, residues 1530-1550): ISIMILICLN[Met1540Leu]VTMMVETDDQ

ClinVar aggregate classification (germline): Uncertain significance (1 of 4 stars; one submission).

Submission:

GeneDx
Classification: Uncertain significance. Last evaluated: 2024-07-10. Review status: criteria provided, single submitter. Criteria: GeneDx Variant Classification Process June 2021. Collection method: clinical testing. Allele origin: germline. Affected: yes.
Comment: Not observed at significant frequency in large population cohorts (gnomAD); In silico analysis supports that this missense variant has a deleterious effect on protein structure/function; Has not been previously published as pathogenic or benign to our knowledge